The following is an entry in ClinVar:

NM_016213.5(TRIP4):c.976G>T (p.Val326Phe)

Gene: TRIP4 (thyroid hormone receptor interactor 4; plus strand). Cytogenetic location: 15q22.31.
Variant type: single nucleotide variant.
Coding change: c.976G>T on transcript NM_016213.5 (MANE Select); coding-DNA position 976, G replaced by T.
Protein change: p.Val326Phe; replaces valine 326 with phenylalanine.
Molecular consequence: missense variant. On other transcripts: non-coding transcript variant (1).
Genome position (GRCh38, 1-based): chr15:64,409,761, G>T. VCF-style: chr15-64409761-G-T. GRCh37 (hg19) VCF-style: chr15-64701960-G-T.
Other names: c.286G>T, p.Val96Phe (NM_001321924.2); short protein forms V326F, V96F.
Identifiers: ClinVar variation 546757 (VCV000546757.47), dbSNP rs149432140, ClinGen allele CA7609510.

ClinVar aggregate classification (germline): Uncertain significance. Review status: criteria provided, multiple submitters, no conflicts (2 of 4 stars). 4 submissions from 4 submitters: Uncertain significance (4). Last evaluated 2025-08-14.

Conditions:
Inborn genetic diseases. Identifiers: MedGen C0950123, MeSH D030342.

Allele frequency attached by ClinVar (database versions not stated): TOPMed 0.00024; ExAC 0.00026; gnomAD exomes 0.00028; 1000 Genomes Project 30x 0.00031; gnomAD 0.00031 and 0.00032; ESP Exome Variant Server 0.00038; 1000 Genomes Project 0.00040.
gnomAD v4.1: 460 of 1,614,152 alleles (0.028%); highest among the groups gnomAD compares: Non-Finnish European, 0.037%; 1 homozygote.

Submissions (4):

Ambry Genetics
Classification: Uncertain significance for Inborn genetic diseases. Last evaluated: 2025-08-14. Review status: criteria provided, single submitter. Criteria: Ambry Variant Classification Scheme 2023. Collection method: clinical testing. Allele origin: germline.

GeneDx
Classification: Uncertain significance. Last evaluated: 2025-05-06. Review status: criteria provided, single submitter. Criteria: GeneDx Variant Classification Process June 2021. Collection method: clinical testing. Allele origin: germline. Affected: yes.
Comment: In silico analysis supports that this missense variant has a deleterious effect on protein structure/function; Has not been previously published as pathogenic or benign to our knowledge

Labcorp Genetics (formerly Invitae), Labcorp
Classification: Uncertain significance. Last evaluated: 2022-05-15. Review status: criteria provided, single submitter. Criteria: Invitae Variant Classification Sherloc (09022015). Collection method: clinical testing. Allele origin: germline.
Comment: This sequence change replaces valine, which is neutral and non-polar, with phenylalanine, which is neutral and non-polar, at codon 326 of the TRIP4 protein (p.Val326Phe). This variant is present in population databases (rs149432140, gnomAD 0.05%). This variant has not been reported in the literature in individuals affected with TRIP4-related conditions. ClinVar contains an entry for this variant (Variation ID: 546757). Algorithms developed to predict the effect of missense changes on protein structure and function (SIFT, PolyPhen-2, Align-GVGD) all suggest that this variant is likely to be tolerated. In summary, the available evidence is currently insufficient to determine the role of this variant in disease. Therefore, it has been classified as a Variant of Uncertain Significance.

CeGaT Center for Human Genetics Tuebingen
Classification: Uncertain significance. Last evaluated: 2018-01-01. Review status: criteria provided, single submitter. Criteria: CeGaT Center For Human Genetics Tuebingen Variant Classification Criteria Version 2. Collection method: clinical testing. Allele origin: germline. Affected: yes. Observed: 1 variant allele.